The following is an entry in ClinVar:

NM_018979.4(WNK1):c.6790C>A (p.Leu2264Ile)

Gene: WNK1 (WNK lysine deficient protein kinase 1; plus strand). Cytogenetic location: 12p13.33.
Variant type: single nucleotide variant.
Coding change: c.6790C>A on transcript NM_018979.4 (MANE Select); coding-DNA position 6790, C replaced by A.
Protein change: p.Leu2264Ile; replaces leucine 2264 with isoleucine.
Molecular consequence: missense variant.
Genome position (GRCh38, 1-based): chr12:907,993, C>A. VCF-style: chr12-907993-C-A. GRCh37 (hg19) VCF-style: chr12-1017159-C-A.
Other names: c.7546C>A, p.Leu2516Ile (NM_213655.5); c.7570C>A, p.Leu2524Ile (NM_001184985.2); c.6046C>A, p.Leu2016Ile (NM_014823.3); short protein forms L2516I, L2016I, L2524I, L2264I.
Identifiers: ClinVar variation 4787921 (VCV004787921.1).

ClinVar aggregate classification (germline): Uncertain significance (1 of 4 stars; one submission).

Conditions:
Neuropathy, hereditary sensory and autonomic, type 2A (HSAN2A). Also called: WNK1-Related HSAN2 (HSAN2A); ACROOSTEOLYSIS, GIACCAI TYPE; ACROOSTEOLYSIS, NEUROGENIC; MORVAN DISEASE; NEUROPATHY, CONGENITAL SENSORY; NEUROPATHY, HEREDITARY SENSORY RADICULAR, AUTOSOMAL RECESSIVE. Identifiers: Orphanet 970, MedGen C2752089, MONDO:0024309, OMIM 201300.
Pseudohypoaldosteronism type 2C (PHA2C). Also called: Pseudohypoaldosteronism Type IIC. Identifiers: Orphanet 757, Orphanet 88940, MedGen C1840391, MONDO:0013778, OMIM 614492.

gnomAD v4.1: 1 of 1,614,166 alleles (0.000062%); highest among the groups gnomAD compares: Non-Finnish European, 0.000085%; no homozygotes.

Submission:

Labcorp Genetics (formerly Invitae), Labcorp
Classification: Uncertain significance for Neuropathy, hereditary sensory and autonomic, type 2A; Pseudohypoaldosteronism type 2C. Last evaluated: 2025-07-09. Review status: criteria provided, single submitter. Criteria: Invitae Variant Classification Sherloc (09022015). Collection method: clinical testing. Allele origin: germline.
Comment: This sequence change replaces leucine, which is neutral and non-polar, with isoleucine, which is neutral and non-polar, at codon 2516 of the WNK1 protein (p.Leu2516Ile). This variant is present in population databases (rs761363777, gnomAD 0.0009%). This variant has not been reported in the literature in individuals affected with WNK1-related conditions. Invitae Evidence Modeling of protein sequence and biophysical properties (such as structural, functional, and spatial information, amino acid conservation, physicochemical variation, residue mobility, and thermodynamic stability) indicates that this missense variant is not expected to disrupt WNK1 protein function with a negative predictive value of 95%. In summary, the available evidence is currently insufficient to determine the role of this variant in disease. Therefore, it has been classified as a Variant of Uncertain Significance.